The following is an entry in ClinVar:

NM_018419.3(SOX18):c.79G>A (p.Gly27Arg)

Gene: SOX18 (SRY-box transcription factor 18; minus strand). Cytogenetic location: 20q13.33.
Variant type: single nucleotide variant.
Coding change: c.79G>A on transcript NM_018419.3 (MANE Select); coding-DNA position 79, G replaced by A.
Protein change: p.Gly27Arg; replaces glycine 27 with arginine.
Molecular consequence: missense variant.
Genome position (GRCh38, 1-based): chr20:64,049,438, C>T on the plus strand (G>A on the coding strand, the complement: SOX18 is on the minus strand). VCF-style: chr20-64049438-C-T. GRCh37 (hg19) VCF-style: chr20-62680791-C-T.
Other names: short protein forms G27R.
Identifiers: ClinVar variation 3447468 (VCV003447468.2).

ClinVar aggregate classification (germline): Uncertain significance. Review status: criteria provided, multiple submitters, no conflicts (2 of 4 stars). 2 submissions from 2 submitters: Uncertain significance (2). Last evaluated 2025-10-23.

Conditions:
Inborn genetic diseases. Identifiers: MedGen C0950123, MeSH D030342.

gnomAD v4.1: 21 of 923,190 alleles (0.0023%); highest among the groups gnomAD compares: African/African-American, 0.039%; no homozygotes.

Submissions (2):

Labcorp Genetics (formerly Invitae), Labcorp
Classification: Uncertain significance. Last evaluated: 2025-10-23. Review status: criteria provided, single submitter. Criteria: Invitae Variant Classification Sherloc (09022015). Collection method: clinical testing. Allele origin: germline.
Comment: This sequence change replaces glycine, which is neutral and non-polar, with arginine, which is basic and polar, at codon 27 of the SOX18 protein (p.Gly27Arg). This variant is present in population databases (no rsID available, gnomAD 0.02%). This variant has not been reported in the literature in individuals affected with SOX18-related conditions. ClinVar contains an entry for this variant (Variation ID: 3447468). An algorithm developed to predict the effect of missense changes on protein structure and function outputs the following: PolyPhen-2: "Probably Damaging". The arginine amino acid residue is found in multiple mammalian species, which suggests that this missense change does not adversely affect protein function. In summary, the available evidence is currently insufficient to determine the role of this variant in disease. Therefore, it has been classified as a Variant of Uncertain Significance.

Ambry Genetics
Classification: Uncertain significance for Inborn genetic diseases. Last evaluated: 2024-07-07. Review status: criteria provided, single submitter. Criteria: Ambry Variant Classification Scheme 2023. Collection method: clinical testing. Allele origin: germline.